The following is an entry in ClinVar:

NM_001005373.4(LRSAM1):c.1109T>C (p.Met370Thr)

Gene: LRSAM1 (leucine rich repeat and sterile alpha motif containing 1; plus strand). Cytogenetic location: 9q33.3.
Variant type: single nucleotide variant.
Coding change: c.1109T>C on transcript NM_001005373.4 (MANE Select); coding-DNA position 1109, T replaced by C.
Protein change: p.Met370Thr; replaces methionine 370 with threonine.
Molecular consequence: missense variant. On other transcripts: non-coding transcript variant (2).
Genome position (GRCh38, 1-based): chr9:127,482,970, T>C. VCF-style: chr9-127482970-T-C. GRCh37 (hg19) VCF-style: chr9-130245249-T-C.
Other names: c.1109T>C, p.Met370Thr (NM_001005374.4, NM_001190723.3, NM_001384142.1 and 2 more transcripts); c.320T>C, p.Met107Thr (NM_001384144.1); short protein forms M370T, M107T.
Identifiers: ClinVar variation 521775 (VCV000521775.13), dbSNP rs377079293, ClinGen allele CA5246848.

ClinVar aggregate classification (germline): Uncertain significance. Review status: criteria provided, multiple submitters, no conflicts (2 of 4 stars). 2 submissions from 2 submitters: Uncertain significance (2). Last evaluated 2022-12-02.

Conditions:
Charcot-Marie-Tooth disease axonal type 2P. Also called: CHARCOT-MARIE-TOOTH NEUROPATHY, TYPE 2P; CHARCOT-MARIE-TOOTH DISEASE, AXONAL, TYPE 2G; CMT 2G; Charcot-Marie-Tooth Neuropathy Type 2G. Identifiers: Orphanet 300319, Orphanet 99941, MedGen C3280797, MONDO:0013753, OMIM 614436.
Inborn genetic diseases. Identifiers: MedGen C0950123, MeSH D030342.

Allele frequency attached by ClinVar (database versions not stated): gnomAD 0.00001; gnomAD exomes 0.00001; TOPMed 0.00002; ExAC 0.00004; ESP Exome Variant Server 0.00008.
gnomAD v4.1: 15 of 1,566,624 alleles (0.00096%); highest among the groups gnomAD compares: Non-Finnish European, 0.0012%; no homozygotes.

Submissions (2):

Ambry Genetics
Classification: Uncertain significance for Inborn genetic diseases. Last evaluated: 2022-12-02. Review status: criteria provided, single submitter. Criteria: Ambry Variant Classification Scheme 2023. Collection method: clinical testing. Allele origin: germline.
Comment: The c.1109T>C (p.M370T) alteration is located in exon 15 (coding exon 14) of the LRSAM1 gene. This alteration results from a T to C substitution at nucleotide position 1109, causing the methionine (M) at amino acid position 370 to be replaced by a threonine (T). The heterozygous missense change is ultra rare in population databases:_x000D_ _x000D_ The LRSAM1 c.1109T>C alteration was observed among 2 out of 171,938 total alleles studied (0.001%) in the Genome Aggregation Database (gnomAD), with a frequency of 2/71,545 (0.003%) in the European (Non-Finnish) sub-population. Based on data from the NHLBI Exome Sequencing Project (ESP), the LRSAM1 c.1109T>C alteration was observed in 1 among 12,992 total alleles studied (0.01%). Allele frequency data for this nucleotide position are not currently available from the 1000 Genomes Project. The altered amino acid is conserved throughout evolution:_x000D_ _x000D_ The p.M370 amino acid is conserved in available vertebrate species. The alteration is predicted benign by in silico models:_x000D_ _x000D_ The p.M370T alteration is predicted to be benign by Polyphen and tolerated by SIFT in silico analyses. Based on insufficient or conflicting evidence, the clinical significance of this alteration remains unclear.

Labcorp Genetics (formerly Invitae), Labcorp
Classification: Uncertain significance for Charcot-Marie-Tooth disease axonal type 2P. Last evaluated: 2020-09-11. Review status: criteria provided, single submitter. Criteria: Invitae Variant Classification Sherloc (09022015). Collection method: clinical testing. Allele origin: germline.
Comment: In summary, the available evidence is currently insufficient to determine the role of this variant in disease. Therefore, it has been classified as a Variant of Uncertain Significance. Algorithms developed to predict the effect of missense changes on protein structure and function are either unavailable or do not agree on the potential impact of this missense change (SIFT: "Deleterious"; PolyPhen-2: "Benign"; Align-GVGD: "Class C0"). This variant has not been reported in the literature in individuals with LRSAM1-related conditions. ClinVar contains an entry for this variant (Variation ID: 521775). This variant is present in population databases (rs377079293, ExAC 0.009%). This sequence change replaces methionine with threonine at codon 370 of the LRSAM1 protein (p.Met370Thr). The methionine residue is highly conserved and there is a moderate physicochemical difference between methionine and threonine.